The following is an entry in ClinVar:

ClinVar aggregate classification (germline): Uncertain significance. Review status: criteria provided, multiple submitters, no conflicts (2 of 4 stars). 3 submissions from 3 submitters: Uncertain significance (2). 1 of the submissions does not count toward it. Last evaluated 2025-05-26.

Conditions:
Walker-Warburg congenital muscular dystrophy. Also called: Muscular dystrophy-dystroglycanopathy, type A; Walker-Warburg syndrome. Identifiers: Orphanet 899, MedGen C0265221, MONDO:0000171.
Cardiovascular phenotype. Identifiers: MedGen CN230736.

Allele frequency attached by ClinVar (database versions not stated): gnomAD 0.00001; TOPMed 0.00002.

Submissions (3):

Ambry Genetics
Classification: Uncertain significance for Cardiovascular phenotype. Last evaluated: 2025-05-26. Review status: criteria provided, single submitter. Criteria: Ambry Variant Classification Scheme 2023. Collection method: clinical testing. Allele origin: germline.
Comment: The p.S46R variant (also known as c.138C>A), located in coding exon 2 of the FKTN gene, results from a C to A substitution at nucleotide position 138. The serine at codon 46 is replaced by arginine, an amino acid with dissimilar properties. This amino acid position is conserved. In addition, this alteration is predicted to be tolerated by in silico analysis. Based on the available evidence, the clinical significance of this variant remains unclear.

Labcorp Genetics (formerly Invitae), Labcorp
Classification: Uncertain significance for Walker-Warburg congenital muscular dystrophy. Last evaluated: 2023-12-11. Review status: criteria provided, single submitter. Criteria: Invitae Variant Classification Sherloc (09022015). Collection method: clinical testing. Allele origin: germline.
Comment: This sequence change replaces serine, which is neutral and polar, with arginine, which is basic and polar, at codon 46 of the FKTN protein (p.Ser46Arg). This variant is not present in population databases (gnomAD no frequency). This variant has not been reported in the literature in individuals affected with FKTN-related conditions. ClinVar contains an entry for this variant (Variation ID: 969648). Advanced modeling of protein sequence and biophysical properties (such as structural, functional, and spatial information, amino acid conservation, physicochemical variation, residue mobility, and thermodynamic stability) performed at Invitae indicates that this missense variant is not expected to disrupt FKTN protein function with a negative predictive value of 80%. In summary, the available evidence is currently insufficient to determine the role of this variant in disease. Therefore, it has been classified as a Variant of Uncertain Significance.

Natera, Inc.
Classification: Uncertain significance for Walker-Warburg congenital muscular dystrophy. Last evaluated: 2020-07-06. Review status: no assertion criteria provided. Collection method: clinical testing. Allele origin: germline. Not counted in ClinVar's aggregate classification.

NM_001079802.2(FKTN):c.138C>A (p.Ser46Arg)

Gene: FKTN (fukutin; plus strand). Cytogenetic location: 9q31.2.
Variant type: single nucleotide variant.
Coding change: c.138C>A on transcript NM_001079802.2 (MANE Select); coding-DNA position 138, C replaced by A.
Protein change: p.Ser46Arg; replaces serine 46 with arginine.
Molecular consequence: missense variant. On other transcripts: 5 prime UTR variant (5), non-coding transcript variant (2).
Genome position (GRCh38, 1-based): chr9:105,596,630, C>A. VCF-style: chr9-105596630-C-A. GRCh37 (hg19) VCF-style: chr9-108358911-C-A.
Other names: c.138C>A, p.Ser46Arg (NM_001198963.2, NM_001351496.2, NM_001351498.2 and 1 more transcripts); c.-30C>A (NM_001351497.2); c.-377C>A (NM_001351499.2, NM_001351500.2, NM_001351501.2 and 1 more transcripts); short protein forms S46R.
Identifiers: ClinVar variation 969648 (VCV000969648.10), dbSNP rs1826853440, ClinGen allele CA374331090.
Genomic context (GRCh38, chr9:105,596,630, plus strand): 5'-CTAAAAAGTTCTTTTGTTGTCTTCCTAGAATGGAGCTGGTTTGTCAAAATCCAAAGGAAG[C>A]CGAATTGGATTTGATAGCACACAGTGGGTATGTAGAATAAACAAGAAATTTCTCAATTAT-3'
Protein context (NP_001073270.1, residues 36-56): NGAGLSKSKG[Ser46Arg]RIGFDSTQWR